The following is an entry in ClinVar:

ClinVar aggregate classification (germline): Uncertain significance (1 of 4 stars; one submission).

gnomAD v4.1: 1 of 1,612,246 alleles (0.000062%); highest among the groups gnomAD compares: Non-Finnish European, 0.000085%; no homozygotes.

Submission:

GeneDx
Classification: Uncertain significance. Last evaluated: 2025-07-30. Review status: criteria provided, single submitter. Criteria: GeneDx Variant Classification Process June 2021. Collection method: clinical testing. Allele origin: germline. Affected: yes.
Comment: Not observed at significant frequency in large population cohorts (gnomAD); In silico analysis supports that this missense variant has a deleterious effect on protein structure/function; Has not been previously published as pathogenic or benign to our knowledge

NM_001393769.1(MED12L):c.4427A>C (p.Gln1476Pro)

Genes: MED12L (mediator complex subunit 12L; plus strand), P2RY12 (purinergic receptor P2Y12; minus strand), LOC129937769 (ATAC-STARR-seq lymphoblastoid active region 20701; plus strand). Cytogenetic location: 3q25.1.
Variant type: single nucleotide variant.
Coding change: c.4427A>C on transcript NM_001393769.1 (MANE Select); coding-DNA position 4427, A replaced by C.
Protein change: p.Gln1476Pro; replaces glutamine 1476 with proline.
Molecular consequence: missense variant. On other transcripts: intron variant (1).
Genome position (GRCh38, 1-based): chr3:151,378,122, A>C. VCF-style: chr3-151378122-A-C. GRCh37 (hg19) VCF-style: chr3-151095910-A-C.
Other names: c.4322A>C, p.Gln1441Pro (NM_053002.6); c.-180+6570T>G (NM_022788.5); short protein forms Q1441P, Q1476P.
Identifiers: ClinVar variation 4689925 (VCV004689925.1).
Genomic context (GRCh38, chr3:151,378,122, plus strand): 5'-TGCCAACTTCTGTGCAAGGAAGAGTGCTGAAAGCCGCTGGGGAAGAGCTGGAGAAGGGAC[A>C]GCACTTGGGTTCTTCTTCCAAAAAGGAAAGGGACAGACAGAAACAGAAAAGGTGTGGCTG-3'
Protein context (NP_001380698.1, residues 1466-1486): KAAGEELEKG[Gln1476Pro]HLGSSSKKER